The following is an entry in ClinVar:

ClinVar aggregate classification (germline): Uncertain significance. Review status: criteria provided, multiple submitters, no conflicts (2 of 4 stars). 2 submissions from 2 submitters: Uncertain significance (2). Last evaluated 2025-09-26.

Allele frequency attached by ClinVar (database versions not stated): gnomAD exomes 0.00002; ExAC 0.00003; gnomAD 0.00003; TOPMed 0.00003; ESP Exome Variant Server 0.00008.

Submissions (2):

Ambry Genetics
Classification: Uncertain significance. Last evaluated: 2025-09-26. Review status: criteria provided, single submitter. Criteria: Ambry Variant Classification Scheme 2023. Collection method: clinical testing. Allele origin: germline.

Labcorp Genetics (formerly Invitae), Labcorp
Classification: Uncertain significance. Last evaluated: 2024-10-29. Review status: criteria provided, single submitter. Criteria: Invitae Variant Classification Sherloc (09022015). Collection method: clinical testing. Allele origin: germline.
Comment: This sequence change replaces asparagine, which is neutral and polar, with lysine, which is basic and polar, at codon 118 of the CDC6 protein (p.Asn118Lys). This variant is present in population databases (rs202098823, gnomAD 0.07%), and has an allele count higher than expected for a pathogenic variant. This variant has not been reported in the literature in individuals affected with CDC6-related conditions. ClinVar contains an entry for this variant (Variation ID: 3140977). An algorithm developed to predict the effect of missense changes on protein structure and function (PolyPhen-2) suggests that this variant is likely to be tolerated. In summary, the available evidence is currently insufficient to determine the role of this variant in disease. Therefore, it has been classified as a Variant of Uncertain Significance.

NM_001254.4(CDC6):c.354C>A (p.Asn118Lys)

Gene: CDC6 (cell division cycle 6; plus strand). Cytogenetic location: 17q21.2.
Variant type: single nucleotide variant.
Coding change: c.354C>A on transcript NM_001254.4 (MANE Select); coding-DNA position 354, C replaced by A.
Protein change: p.Asn118Lys; replaces asparagine 118 with lysine.
Molecular consequence: missense variant.
Genome position (GRCh38, 1-based): chr17:40,291,233, C>A. VCF-style: chr17-40291233-C-A. GRCh37 (hg19) VCF-style: chr17-38447485-C-A.
Other names: short protein forms N118K.
Identifiers: ClinVar variation 3140977 (VCV003140977.4), dbSNP rs202098823, ClinGen allele CA8541861.